The following is an entry in ClinVar:

NM_015338.6(ASXL1):c.2526T>C (p.Asn842=)

Gene: ASXL1 (ASXL transcriptional regulator 1; plus strand). Cytogenetic location: 20q11.21.
Variant type: single nucleotide variant.
Coding change: c.2526T>C on transcript NM_015338.6 (MANE Select); coding-DNA position 2526, T replaced by C.
Protein change: p.Asn842=; no amino-acid change (asparagine 842 retained).
Molecular consequence: synonymous variant.
Genome position (GRCh38, 1-based): chr20:32,435,238, T>C. VCF-style: chr20-32435238-T-C. GRCh37 (hg19) VCF-style: chr20-31023041-T-C.
Other names: c.2343T>C, p.Asn781= (NM_001363734.1).
Identifiers: ClinVar variation 338099 (VCV000338099.26), dbSNP rs144841799, ClinGen allele CA9808640.

ClinVar aggregate classification (germline): Benign/Likely benign. Review status: criteria provided, multiple submitters, no conflicts (2 of 4 stars). 6 submissions from 6 submitters: Benign (2); Likely benign (4). Last evaluated 2026-01-09.

Conditions:
Inborn genetic diseases. Identifiers: MedGen C0950123, MeSH D030342.
ASXL1-related disorder. Also called: ASXL1-related disorders; ASXL1-related condition.
Bohring-Opitz syndrome. Also called: OPITZ TRIGONOCEPHALY-LIKE SYNDROME; ASXL1-Related Bohring-Opitz Syndrome; BOHRING SYNDROME; C-LIKE SYNDROME. Identifiers: Orphanet 97297, MedGen C0796232, MONDO:0011510, OMIM 605039.

Allele frequency attached by ClinVar (database versions not stated): ESP Exome Variant Server 0.00015; gnomAD exomes 0.00021 and 0.00028; gnomAD 0.00022 and 0.00024; TOPMed 0.00026; 1000 Genomes Project 30x 0.00031; ExAC 0.00031; 1000 Genomes Project 0.00040.
gnomAD v4.1: 346 of 1,614,022 alleles (0.021%); highest among the groups gnomAD compares: Middle Eastern, 0.13%; 1 homozygote.

Submissions (6):

Labcorp Genetics (formerly Invitae), Labcorp
Classification: Likely benign. Last evaluated: 2026-01-09. Review status: criteria provided, single submitter. Criteria: Invitae Variant Classification Sherloc (09022015). Collection method: clinical testing. Allele origin: germline.

CeGaT Center for Human Genetics Tuebingen
Classification: Likely benign. Last evaluated: 2025-05-01. Review status: criteria provided, single submitter. Criteria: CeGaT Center For Human Genetics Tuebingen Variant Classification Criteria Version 2. Collection method: clinical testing. Allele origin: germline. Affected: yes. Observed: 1 variant allele.
Comment: ASXL1: BP4, BP7

PreventionGenetics, part of Exact Sciences
Classification: Likely benign for ASXL1-related condition. Last evaluated: 2025-04-24. Review status: criteria provided, single submitter. Criteria: ACMG Guidelines, 2015. Collection method: clinical testing. Allele origin: germline.
Comment: This variant is classified as likely benign based on ACMG/AMP sequence variant interpretation guidelines (Richards et al. 2015 PMID: 25741868, with internal and published modifications).

Ambry Genetics
Classification: Likely benign for Inborn genetic diseases. Last evaluated: 2024-11-17. Review status: criteria provided, single submitter. Criteria: Ambry Variant Classification Scheme 2023. Collection method: clinical testing. Allele origin: germline.

Genome-Nilou Lab
Classification: Benign for Bohring-Opitz syndrome. Last evaluated: 2021-12-05. Review status: criteria provided, single submitter. Criteria: ACMG Guidelines, 2015. Collection method: clinical testing. Allele origin: germline. Affected: no.

GeneDx
Classification: Benign. Last evaluated: 2019-10-21. Review status: criteria provided, single submitter. Criteria: GeneDx Variant Classification Process June 2021. Collection method: clinical testing. Allele origin: germline. Affected: yes.